The following is an entry in ClinVar:

ClinVar aggregate classification (germline): Uncertain significance. Review status: criteria provided, multiple submitters, no conflicts (2 of 4 stars). 2 submissions from 2 submitters: Uncertain significance (2). Last evaluated 2024-12-16.

Allele frequency attached by ClinVar (database versions not stated): ExAC 0.00003; gnomAD 0.00005; TOPMed 0.00005; 1000 Genomes Project 30x 0.00016; 1000 Genomes Project 0.00020.
gnomAD v4.1: 31 of 1,614,228 alleles (0.0019%); highest among the groups gnomAD compares: East Asian, 0.051%; no homozygotes.

Submissions (2):

Labcorp Genetics (formerly Invitae), Labcorp
Classification: Uncertain significance. Last evaluated: 2024-12-16. Review status: criteria provided, single submitter. Criteria: Invitae Variant Classification Sherloc (09022015). Collection method: clinical testing. Allele origin: germline.
Comment: This sequence change replaces arginine, which is basic and polar, with lysine, which is basic and polar, at codon 512 of the MICAL1 protein (p.Arg512Lys). This variant is present in population databases (rs200968445, gnomAD 0.06%). This variant has not been reported in the literature in individuals affected with MICAL1-related conditions. ClinVar contains an entry for this variant (Variation ID: 2603911). An algorithm developed to predict the effect of missense changes on protein structure and function outputs the following: PolyPhen-2: "Benign". The lysine amino acid residue is found in multiple mammalian species, which suggests that this missense change does not adversely affect protein function. In summary, the available evidence is currently insufficient to determine the role of this variant in disease. Therefore, it has been classified as a Variant of Uncertain Significance.

Ambry Genetics
Classification: Uncertain significance. Last evaluated: 2023-06-16. Review status: criteria provided, single submitter. Criteria: Ambry Variant Classification Scheme 2023. Collection method: clinical testing. Allele origin: germline.

NM_022765.4(MICAL1):c.1478G>A (p.Arg493Lys)

Gene: MICAL1 (microtubule associated monooxygenase, calponin and LIM domain containing 1; minus strand). Cytogenetic location: 6q21.
Variant type: single nucleotide variant.
Coding change: c.1478G>A on transcript NM_022765.4 (MANE Select); coding-DNA position 1478, G replaced by A.
Protein change: p.Arg493Lys; replaces arginine 493 with lysine.
Molecular consequence: missense variant.
Genome position (GRCh38, 1-based): chr6:109,449,438, C>T on the plus strand (G>A on the coding strand, the complement: MICAL1 is on the minus strand). VCF-style: chr6-109449438-C-T. GRCh37 (hg19) VCF-style: chr6-109770641-C-T.
Other names: c.1220G>A, p.Arg407Lys (NM_001159291.2); c.1535G>A, p.Arg512Lys (NM_001286613.2); short protein forms R512K, R407K, R493K.
Identifiers: ClinVar variation 2603911 (VCV002603911.5), dbSNP rs200968445, ClinGen allele CA3953382.